The following is an entry in ClinVar:

NM_198576.4(AGRN):c.3161C>T (p.Ala1054Val)

Gene: AGRN (agrin; plus strand). Cytogenetic location: 1p36.33.
Variant type: single nucleotide variant.
Coding change: c.3161C>T on transcript NM_198576.4 (MANE Select); coding-DNA position 3161, C replaced by T.
Protein change: p.Ala1054Val; replaces alanine 1054 with valine.
Molecular consequence: missense variant.
Genome position (GRCh38, 1-based): chr1:1,046,646, C>T. VCF-style: chr1-1046646-C-T. GRCh37 (hg19) VCF-style: chr1-982026-C-T.
Other names: c.3161C>T, p.Ala1054Val (NM_001305275.2); c.2846C>T, p.Ala949Val (NM_001364727.2); short protein forms A1054V, A949V.
Identifiers: ClinVar variation 1390355 (VCV001390355.6), dbSNP rs377535426, ClinGen allele CA508969.

ClinVar aggregate classification (germline): Uncertain significance (1 of 4 stars; one submission).

Conditions:
Congenital myasthenic syndrome 8. Also called: Myasthenic syndrome, congenital, 8, with pre- and postsynaptic defects; MYASTHENIC SYNDROME, CONGENITAL, DUE TO AGRIN DEFICIENCY. Identifiers: Orphanet 590, MedGen C3808739, MONDO:0014052, OMIM 615120.

Allele frequency attached by ClinVar (database versions not stated): gnomAD exomes 0.00002 and 0.00003; ExAC 0.00004; TOPMed 0.00008; gnomAD 0.00009 and 0.00011; ESP Exome Variant Server 0.00015.
gnomAD v4.1: 42 of 1,596,644 alleles (0.0026%); highest among the groups gnomAD compares: African/African-American, 0.025%; no homozygotes.

Submission:

Labcorp Genetics (formerly Invitae), Labcorp
Classification: Uncertain significance for Congenital myasthenic syndrome 8. Last evaluated: 2023-12-06. Review status: criteria provided, single submitter. Criteria: Invitae Variant Classification Sherloc (09022015). Collection method: clinical testing. Allele origin: germline.
Comment: This sequence change replaces alanine, which is neutral and non-polar, with valine, which is neutral and non-polar, at codon 1054 of the AGRN protein (p.Ala1054Val). This variant is present in population databases (rs377535426, gnomAD 0.04%). This variant has not been reported in the literature in individuals affected with AGRN-related conditions. ClinVar contains an entry for this variant (Variation ID: 1390355). An algorithm developed to predict the effect of missense changes on protein structure and function (PolyPhen-2) suggests that this variant is likely to be tolerated. In summary, the available evidence is currently insufficient to determine the role of this variant in disease. Therefore, it has been classified as a Variant of Uncertain Significance.